The following is an entry in ClinVar:

NM_000548.5(TSC2):c.775-12T>C

Gene: TSC2 (TSC complex subunit 2; plus strand). Cytogenetic location: 16p13.3.
Variant type: single nucleotide variant.
Coding change: c.775-12T>C on transcript NM_000548.5 (MANE Select); 12 bases into the intron before coding-DNA position 775, T replaced by C.
Molecular consequence: intron variant.
Genome position (GRCh38, 1-based): chr16:2,057,093, T>C. VCF-style: chr16-2057093-T-C. GRCh37 (hg19) VCF-style: chr16-2107094-T-C.
Other names: c.775-12T>C (NM_001114382.3, NM_021055.3, NM_001370405.1 and 3 more transcripts); c.664-12T>C (NM_001318827.2); c.175-12T>C (NM_001318831.2); c.628-12T>C (NM_001318829.2); c.808-12T>C (NM_001318832.2).
Identifiers: ClinVar variation 1249656 (VCV001249656.13), dbSNP rs753920940, ClinGen allele CA056406.
Genomic context (GRCh38, chr16:2,057,093, plus strand): 5'-GGCCAGCAGCGGGACTGGGGCTGGGGGCAGGGCTTATGCCTGCCAGCCCCTGACACGCAT[T>C]GTGTCTCGCAGCTGATGCGGAACCTCCTTGGCACCCACCTGGGCCACAGCGCCATCTACA-3'

ClinVar aggregate classification (germline): Benign/Likely benign. Review status: criteria provided, multiple submitters, no conflicts (2 of 4 stars). 5 submissions from 5 submitters: Benign (1); Likely benign (4). Last evaluated 2025-12-21.

Conditions:
Tuberous sclerosis syndrome (TSC). Also called: Tuberous Sclerosis Complex; Tuberous sclerosis. Identifiers: Orphanet 805, MedGen C0041341, MONDO:0001734.
Tuberous sclerosis 2 (TSC2). Identifiers: Orphanet 805, MedGen C1860707, MONDO:0013199, OMIM 613254.

Allele frequency attached by ClinVar (database versions not stated): gnomAD 0.00001; gnomAD exomes 0.00003; ExAC 0.00010.
gnomAD v4.1: 36 of 1,551,042 alleles (0.0023%); highest among the groups gnomAD compares: South Asian, 0.031%; no homozygotes.

Submissions (5):

Labcorp Genetics (formerly Invitae), Labcorp
Classification: Likely benign for Tuberous sclerosis 2. Last evaluated: 2025-12-21. Review status: criteria provided, single submitter. Criteria: Invitae Variant Classification Sherloc (09022015). Collection method: clinical testing. Allele origin: germline.

Myriad Genetics, Inc.
Classification: Benign for Tuberous sclerosis 2. Last evaluated: 2024-09-05. Review status: criteria provided, single submitter. Criteria: Myriad Autosomal Dominant, Autosomal Recessive and X-Linked Classification Criteria (2023). Collection method: clinical testing. Allele origin: unknown.
Comment: This variant is considered benign. This variant is intronic and is not expected to impact mRNA splicing. This variant has been observed at a population frequency that is significantly greater than expected given the associated disease prevalence and penetrance.

Blueprint Genetics
Classification: Likely benign. Last evaluated: 2024-03-01. Review status: criteria provided, single submitter. Criteria: ACMG Guidelines, 2015. Collection method: clinical testing. Allele origin: germline.

Color Diagnostics, LLC DBA Color Health
Classification: Likely benign for Tuberous sclerosis syndrome. Last evaluated: 2022-09-29. Review status: criteria provided, single submitter. Criteria: ACMG Guidelines, 2015. Collection method: clinical testing. Allele origin: germline.

GeneDx
Classification: Likely benign. Last evaluated: 2020-02-26. Review status: criteria provided, single submitter. Criteria: GeneDx Variant Classification Process June 2021. Collection method: clinical testing. Allele origin: germline. Affected: yes.